The following is an entry in ClinVar:

NM_025137.4(SPG11):c.5790G>T (p.Glu1930Asp)

Gene: SPG11 (SPG11 vesicle trafficking associated, spatacsin; minus strand). Cytogenetic location: 15q21.1.
Variant type: single nucleotide variant.
Coding change: c.5790G>T on transcript NM_025137.4 (MANE Select); coding-DNA position 5790, G replaced by T.
Protein change: p.Glu1930Asp; replaces glutamic acid 1930 with aspartic acid.
Molecular consequence: missense variant.
Genome position (GRCh38, 1-based): chr15:44,583,890, C>A on the plus strand (G>T on the coding strand, the complement: SPG11 is on the minus strand). VCF-style: chr15-44583890-C-A. GRCh37 (hg19) VCF-style: chr15-44876088-C-A.
Other names: c.5790G>T, p.Glu1930Asp (NM_001160227.2); short protein forms E1930D.
Identifiers: ClinVar variation 648647 (VCV000648647.8), dbSNP rs972738967, ClinGen allele CA270079655.

ClinVar aggregate classification (germline): Uncertain significance (1 of 4 stars; one submission).

Conditions:
Hereditary spastic paraplegia 11. Also called: Spastic Paraplegia 11; SPASTIC PARAPLEGIA, AUTOSOMAL RECESSIVE, COMPLICATED, WITH THIN CORPUS CALLOSUM; SPASTIC PARAPLEGIA, AUTOSOMAL RECESSIVE, WITH MENTAL IMPAIRMENT AND THIN CORPUS CALLOSUM; Spastic paraplegia, mental retardation and thin corpus callosum; Nakamura Osame syndrome; Autosomal recessive hereditary spastic paraplegia, mental impairment, and thin corpus callosum. Identifiers: Orphanet 2822, MedGen C1858479, MONDO:0011445, OMIM 604360.

Allele frequency attached by ClinVar (database versions not stated): TOPMed 0.00001; gnomAD 0.00002.
gnomAD v4.1: 3 of 1,614,086 alleles (0.00019%); highest among the groups gnomAD compares: African/African-American, 0.004%; no homozygotes.

Submission:

Labcorp Genetics (formerly Invitae), Labcorp
Classification: Uncertain significance for Hereditary spastic paraplegia 11. Last evaluated: 2018-09-03. Review status: criteria provided, single submitter. Criteria: Invitae Variant Classification Sherloc (09022015). Collection method: clinical testing. Allele origin: germline.
Comment: In summary, the available evidence is currently insufficient to determine the role of this variant in disease. Therefore, it has been classified as a Variant of Uncertain Significance. Algorithms developed to predict the effect of missense changes on protein structure and function output the following: SIFT: "Tolerated"; PolyPhen-2: "Probably Damaging"; Align-GVGD: "Class C0". The aspartic acid amino acid residue is found in multiple mammalian species, suggesting that this missense change does not adversely affect protein function. These predictions have not been confirmed by published functional studies and their clinical significance is uncertain. This variant has not been reported in the literature in individuals with SPG11-related disease. This variant is not present in population databases (ExAC no frequency). This sequence change replaces glutamic acid with aspartic acid at codon 1930 of the SPG11 protein (p.Glu1930Asp). The glutamic acid residue is highly conserved and there is a small physicochemical difference between glutamic acid and aspartic acid.